The following is an entry in ClinVar:

ClinVar aggregate classification (germline): Uncertain significance. Review status: criteria provided, multiple submitters, no conflicts (2 of 4 stars). 2 submissions from 2 submitters: Uncertain significance (2). Last evaluated 2024-07-30.

Conditions:
Inborn genetic diseases. Identifiers: MedGen C0950123, MeSH D030342.

gnomAD v4.1: 7 of 1,613,890 alleles (0.00043%); highest among the groups gnomAD compares: African/African-American, 0.0027%; no homozygotes.

Submissions (2):

Labcorp Genetics (formerly Invitae), Labcorp
Classification: Uncertain significance. Last evaluated: 2024-07-30. Review status: criteria provided, single submitter. Criteria: Invitae Variant Classification Sherloc (09022015). Collection method: clinical testing. Allele origin: germline.
Comment: This sequence change replaces isoleucine, which is neutral and non-polar, with methionine, which is neutral and non-polar, at codon 579 of the CDC45 protein (p.Ile579Met). This variant is not present in population databases (gnomAD no frequency). This variant has not been reported in the literature in individuals affected with CDC45-related conditions. ClinVar contains an entry for this variant (Variation ID: 1514059). An algorithm developed to predict the effect of missense changes on protein structure and function (PolyPhen-2) suggests that this variant is likely to be disruptive. In summary, the available evidence is currently insufficient to determine the role of this variant in disease. Therefore, it has been classified as a Variant of Uncertain Significance.

Ambry Genetics
Classification: Uncertain significance for Inborn genetic diseases. Last evaluated: 2024-06-28. Review status: criteria provided, single submitter. Criteria: Ambry Variant Classification Scheme 2023. Collection method: clinical testing. Allele origin: germline.

NM_003504.5(CDC45):c.1641T>G (p.Ile547Met)

Gene: CDC45 (cell division cycle 45; plus strand). Cytogenetic location: 22q11.21.
Variant type: single nucleotide variant.
Coding change: c.1641T>G on transcript NM_003504.5 (MANE Select); coding-DNA position 1641, T replaced by G.
Protein change: p.Ile547Met; replaces isoleucine 547 with methionine.
Molecular consequence: missense variant. On other transcripts: non-coding transcript variant (1).
Genome position (GRCh38, 1-based): chr22:19,518,848, T>G. VCF-style: chr22-19518848-T-G. GRCh37 (hg19) VCF-style: chr22-19506371-T-G.
Other names: c.1737T>G (NM_001178010.1); c.1737T>G, p.Ile579Met (NM_001178010.2); c.1503T>G, p.Ile501Met (NM_001178011.2); c.1605T>G, p.Ile535Met (NM_001369291.1); short protein forms I547M, I579M, I535M, I501M.
Identifiers: ClinVar variation 1514059 (VCV001514059.7), dbSNP rs200408376, ClinGen allele CA322072640.